The following is an entry in ClinVar:

NM_004304.5(ALK):c.4221G>C (p.Glu1407Asp)

Gene: ALK (ALK receptor tyrosine kinase; minus strand). Cytogenetic location: 2p23.2.
Variant type: single nucleotide variant.
Coding change: c.4221G>C on transcript NM_004304.5 (MANE Select); coding-DNA position 4221, G replaced by C.
Protein change: p.Glu1407Asp; replaces glutamic acid 1407 with aspartic acid.
Molecular consequence: missense variant.
Genome position (GRCh38, 1-based): chr2:29,193,866, C>G on the plus strand (G>C on the coding strand, the complement: ALK is on the minus strand). VCF-style: chr2-29193866-C-G. GRCh37 (hg19) VCF-style: chr2-29416732-C-G.
Other names: c.1017G>C, p.Glu339Asp (NM_001353765.2); short protein forms E1407D, E339D.
Identifiers: ClinVar variation 835126 (VCV000835126.10), dbSNP rs552187705, ClinGen allele CA346463246.
Genomic context (GRCh38, chr2:29,193,866, plus strand): 5'-AGAGACCAGGAGAGGAGGAACCCCCTCAGGGTCCTTGGGCCTCACAGGCACTTTCTCTTC[C>G]TCTTCCACAAGTGGACCATATTCTATCGGCAAAGCGGTGTTGATTACATCCGGGTCCTGC-3'
Protein context (NP_004295.2, residues 1397-1417): LPIEYGPLVE[Glu1407Asp]EEKVPVRPKD

ClinVar aggregate classification (germline): Uncertain significance. Review status: criteria provided, multiple submitters, no conflicts (2 of 4 stars). 2 submissions from 2 submitters: Uncertain significance (2). Last evaluated 2025-01-20.

Conditions:
Hereditary cancer-predisposing syndrome. Also called: Neoplastic Syndromes, Hereditary; Hereditary neoplastic syndrome; Tumor predisposition; Hereditary Cancer Syndrome. Identifiers: Orphanet 140162, MedGen C0027672, MeSH D009386, MONDO:0015356.
Neuroblastoma, susceptibility to, 3. Also called: ALK-Related Neuroblastic Tumor Susceptibility. Identifiers: Orphanet 635, MedGen C2751681, MONDO:0013083, OMIM 613014.

Submissions (2):

Labcorp Genetics (formerly Invitae), Labcorp
Classification: Uncertain significance for Neuroblastoma, susceptibility to, 3. Last evaluated: 2025-01-20. Review status: criteria provided, single submitter. Criteria: Invitae Variant Classification Sherloc (09022015). Collection method: clinical testing. Allele origin: germline.
Comment: This sequence change replaces glutamic acid, which is acidic and polar, with aspartic acid, which is acidic and polar, at codon 1407 of the ALK protein (p.Glu1407Asp). This variant is not present in population databases (gnomAD no frequency). This variant has not been reported in the literature in individuals affected with ALK-related conditions. ClinVar contains an entry for this variant (Variation ID: 835126). An algorithm developed to predict the effect of missense changes on protein structure and function (PolyPhen-2) suggests that this variant is likely to be disruptive. In summary, the available evidence is currently insufficient to determine the role of this variant in disease. Therefore, it has been classified as a Variant of Uncertain Significance.

Ambry Genetics
Classification: Uncertain significance for Hereditary cancer-predisposing syndrome. Last evaluated: 2023-11-01. Review status: criteria provided, single submitter. Criteria: Ambry Variant Classification Scheme 2023. Collection method: clinical testing. Allele origin: germline.
Comment: The p.E1407D variant (also known as c.4221G>C), located in coding exon 29 of the ALK gene, results from a G to C substitution at nucleotide position 4221. The glutamic acid at codon 1407 is replaced by aspartic acid, an amino acid with highly similar properties. This amino acid position is conserved. In addition, this alteration is predicted to be tolerated by in silico analysis. Since supporting evidence is limited at this time, the clinical significance of this alteration remains unclear.